The following is an entry in ClinVar:

NM_170699.3(GPBAR1):c.637G>A (p.Ala213Thr)

Gene: GPBAR1 (G protein-coupled bile acid receptor 1; plus strand). Cytogenetic location: 2q35.
Variant type: single nucleotide variant.
Coding change: c.637G>A on transcript NM_170699.3 (MANE Select); coding-DNA position 637, G replaced by A.
Protein change: p.Ala213Thr; replaces alanine 213 with threonine.
Molecular consequence: missense variant.
Genome position (GRCh38, 1-based): chr2:218,263,361, G>A. VCF-style: chr2-218263361-G-A. GRCh37 (hg19) VCF-style: chr2-219128084-G-A.
Other names: c.637G>A, p.Ala213Thr (NM_001077191.2, NM_001077194.2, NM_001321950.2); c.637G>A (NM_001321950.1, NM_001077191.1); short protein forms A213T.
Identifiers: ClinVar variation 594771 (VCV000594771.8), dbSNP rs201635895, ClinGen allele CA2102646.

ClinVar aggregate classification (germline): Conflicting classifications of pathogenicity. Review status: criteria provided, conflicting classifications (1 of 4 stars). 3 submissions from 3 submitters: Uncertain significance (2); Likely benign (1). Last evaluated 2024-10-10.

Conditions:
GPBAR1-related disorder. Also called: GPBAR1-related condition.

Allele frequency attached by ClinVar (database versions not stated): gnomAD 0.00006 and 0.00007; gnomAD exomes 0.00006 and 0.00026; ExAC 0.00015; TOPMed 0.00015; 1000 Genomes Project 30x 0.00016; 1000 Genomes Project 0.00020.

Submissions (3):

PreventionGenetics, part of Exact Sciences
Classification: Likely benign for GPBAR1-related condition. Last evaluated: 2024-10-10. Review status: criteria provided, single submitter. Criteria: ACMG Guidelines, 2015. Collection method: clinical testing. Allele origin: germline.
Comment: This variant is classified as likely benign based on ACMG/AMP sequence variant interpretation guidelines (Richards et al. 2015 PMID: 25741868, with internal and published modifications).

Ambry Genetics
Classification: Uncertain significance. Last evaluated: 2022-01-31. Review status: criteria provided, single submitter. Criteria: Ambry Variant Classification Scheme 2023. Collection method: clinical testing. Allele origin: germline.

Eurofins Ntd Llc (ga)
Classification: Uncertain significance. Last evaluated: 2017-11-01. Review status: criteria provided, single submitter. Criteria: EGL Classification Definitions 2015. Collection method: clinical testing. Allele origin: germline. Observed: 1 variant allele, 1 heterozygote.